The following is an entry in ClinVar:

NM_006147.4(IRF6):c.586G>C (p.Glu196Gln)

Gene: IRF6 (interferon regulatory factor 6; minus strand). Cytogenetic location: 1q32.2.
Variant type: single nucleotide variant.
Coding change: c.586G>C on transcript NM_006147.4 (MANE Select); coding-DNA position 586, G replaced by C.
Protein change: p.Glu196Gln; replaces glutamic acid 196 with glutamine.
Molecular consequence: missense variant.
Genome position (GRCh38, 1-based): chr1:209,792,350, C>G on the plus strand (G>C on the coding strand, the complement: IRF6 is on the minus strand). VCF-style: chr1-209792350-C-G. GRCh37 (hg19) VCF-style: chr1-209965695-C-G.
Other names: c.301G>C, p.Glu101Gln (NM_001206696.2); short protein forms E101Q, E196Q.
Identifiers: ClinVar variation 3382882 (VCV003382882.2).

ClinVar aggregate classification (germline): Uncertain significance (1 of 4 stars; one submission).

Conditions:
Orofacial cleft 6, susceptibility to (OFC6). Also called: CLEFT LIP WITH OR WITHOUT CLEFT PALATE, NONSYNDROMIC, 6. Identifiers: MedGen C1837213, MONDO:0012141, OMIM 608864.
Van der Woude syndrome 1. Also called: CLEFT LIP AND/OR PALATE WITH MUCOUS CYSTS OF LOWER LIP; van der Woude Syndrome (VWS). Identifiers: MedGen C4551864, MONDO:0007333, OMIM 119300.
Autosomal dominant popliteal pterygium syndrome. Also called: CLEFT LIP/PALATE, PARAMEDIAN MUCOUS CYSTS OF THE LOWER LIP, POPLITEAL PTERYGIUM, DIGITAL AND GENITAL ANOMALIES; FACIOGENITOPOPLITEAL SYNDROME; Popliteal Pterygium Syndrome (PPS). Identifiers: Orphanet 1300, MedGen C5848052, MONDO:0007334, OMIM 119500.

Submission:

Juno Genomics, Hangzhou Juno Genomics, Inc
Classification: Uncertain significance for Autosomal dominant popliteal pterygium syndrome; Van der Woude syndrome 1; Orofacial cleft 6, susceptibility to. Review status: criteria provided, single submitter. Criteria: ACMG Guidelines, 2015. Collection method: clinical testing. Allele origin: germline. Affected: yes.
Comment: Absent from controls (or at extremely low frequency if recessive) in Genome Aggregation Database, Exome Sequencing Project, 1000 Genomes Project, or Exome Aggregation Consortium.;Patient's phenotype or family history is highly specific for a disease with a single genetic etiology.